The following is an entry in ClinVar:

NM_025045.6(BAIAP2L2):c.1389C>T (p.Ala463=)

Gene: BAIAP2L2 (BAR/IMD domain containing adaptor protein 2 like 2; minus strand). Cytogenetic location: 22q13.1.
Variant type: single nucleotide variant.
Coding change: c.1389C>T on transcript NM_025045.6 (MANE Select); coding-DNA position 1389, C replaced by T.
Protein change: p.Ala463=; no amino-acid change (alanine 463 retained).
Molecular consequence: synonymous variant.
Genome position (GRCh38, 1-based): chr22:38,086,320, G>A on the plus strand (C>T on the coding strand, the complement: BAIAP2L2 is on the minus strand). VCF-style: chr22-38086320-G-A. GRCh37 (hg19) VCF-style: chr22-38482327-G-A.
Identifiers: ClinVar variation 2653134 (VCV002653134.24), dbSNP rs191324911, ClinGen allele CA10229918.

ClinVar aggregate classification (germline): Likely benign (1 of 4 stars; one submission).

Allele frequency attached by ClinVar (database versions not stated): 1000 Genomes Project 0.00040; 1000 Genomes Project 30x 0.00047; ESP Exome Variant Server 0.00103; gnomAD 0.00128; gnomAD exomes 0.00140; TOPMed 0.00159; ExAC 0.00209.
gnomAD v4.1: 2,263 of 1,604,328 alleles (0.14%); highest among the groups gnomAD compares: Middle Eastern, 1.5%; 7 homozygotes.

Submission:

CeGaT Center for Human Genetics Tuebingen
Classification: Likely benign. Last evaluated: 2026-01-01. Review status: criteria provided, single submitter. Criteria: CeGaT Center For Human Genetics Tuebingen Variant Classification Criteria Version 2. Collection method: clinical testing. Allele origin: germline. Affected: yes. Observed: 4 variant alleles.
Comment: BAIAP2L2: BP4, BP7